The following is an entry in ClinVar:

NM_003872.3(NRP2):c.963C>T (p.Asn321=)

Gene: NRP2 (neuropilin 2; plus strand). Cytogenetic location: 2q33.3.
Variant type: single nucleotide variant.
Coding change: c.963C>T on transcript NM_003872.3 (MANE Select); coding-DNA position 963, C replaced by T.
Protein change: p.Asn321=; no amino-acid change (asparagine 321 retained).
Molecular consequence: synonymous variant.
Genome position (GRCh38, 1-based): chr2:205,726,055, C>T. VCF-style: chr2-205726055-C-T. GRCh37 (hg19) VCF-style: chr2-206590779-C-T.
Other names: c.963C>T, p.Asn321= (NM_018534.4, NM_201264.2, NM_201266.2 and 2 more transcripts).
Identifiers: ClinVar variation 4985813 (VCV004985813.1).

ClinVar aggregate classification (germline): Likely benign (1 of 4 stars; one submission).

Conditions:
NRP2-related disorder. Also called: NRP2-related condition.

Submission:

PreventionGenetics, part of Exact Sciences
Classification: Likely benign for NRP2-related condition. Last evaluated: 2026-08-25. Review status: criteria provided, single submitter. Criteria: ACMG Guidelines, 2015. Collection method: clinical testing. Allele origin: germline.
Comment: This variant is classified as likely benign based on ACMG/AMP sequence variant interpretation guidelines (Richards et al. 2015 PMID: 25741868, with internal and published modifications).